The following is an entry in ClinVar:

ClinVar aggregate classification (germline): Likely benign (0 of 4 stars; one submission).

Conditions:
MOBP-related disorder. Also called: MOBP-related condition.

gnomAD v4.1: 13 of 1,560,690 alleles (0.00083%); highest among the groups gnomAD compares: Admixed American, 0.0019%; no homozygotes.

Submission:

PreventionGenetics, part of Exact Sciences
Classification: Likely benign for MOBP-related condition. Last evaluated: 2024-06-18. Review status: no assertion criteria provided. Collection method: clinical testing. Allele origin: germline.
Comment: This variant is classified as likely benign based on ACMG/AMP sequence variant interpretation guidelines (Richards et al. 2015 PMID: 25741868, with internal and published modifications).

NM_001393704.1(MOBP):c.288G>A (p.Lys96=)

Gene: MOBP (myelin associated oligodendrocyte basic protein; plus strand). Cytogenetic location: 3p22.1.
Variant type: single nucleotide variant.
Coding change: c.288G>A on transcript NM_001393704.1 (MANE Select); coding-DNA position 288, G replaced by A.
Protein change: p.Lys96=; no amino-acid change (lysine 96 retained).
Molecular consequence: synonymous variant. On other transcripts: non-coding transcript variant (2), intron variant (1).
Genome position (GRCh38, 1-based): chr3:39,502,616, G>A. VCF-style: chr3-39502616-G-A. GRCh37 (hg19) VCF-style: chr3-39544107-G-A.
Other names: c.360G>A, p.Lys120= (NM_001278322.2); c.288G>A, p.Lys96= (NM_001278323.2); c.206+341G>A (NM_182935.4).
Identifiers: ClinVar variation 3348263 (VCV003348263.1).